The following is an entry in ClinVar:

ClinVar aggregate classification (germline): Benign/Likely benign. Review status: criteria provided, multiple submitters, no conflicts (2 of 4 stars). 10 submissions from 10 submitters: Benign (4); Likely benign (4). 2 of the submissions do not count toward it. Last evaluated 2026-09-01.

Conditions:
Catecholaminergic polymorphic ventricular tachycardia 5 (CARDAR). Also called: Ventricular tachycardia, catecholaminergic polymorphic, 5, with or without muscle weakness; CARDIAC ARRHYTHMIA SYNDROME, WITH OR WITHOUT SKELETAL MUSCLE WEAKNESS. Identifiers: Orphanet 3286, MedGen C3809536, MONDO:0014191, OMIM 615441.
Catecholaminergic polymorphic ventricular tachycardia 1. Also called: RYR2-Related Catecholaminergic Polymorphic Ventricular Tachycardia; VENTRICULAR TACHYCARDIA, STRESS-INDUCED POLYMORPHIC 1; VENTRICULAR TACHYCARDIA, CATECHOLAMINERGIC POLYMORPHIC, 1, WITH OR WITHOUT ATRIAL DYSFUNCTION AND/OR DILATED CARDIOMYOPATHY. Identifiers: Orphanet 3286, MedGen C1631597, MONDO:0011484, OMIM 604772.

Allele frequency attached by ClinVar (database versions not stated): 1000 Genomes Project 0.00280; 1000 Genomes Project 30x 0.00312; gnomAD 0.00632 and 0.00651; gnomAD exomes 0.00648 and 0.00764; TOPMed 0.00664; ExAC 0.00702; ESP Exome Variant Server 0.00744.
gnomAD v4.1: 9,491 of 1,272,424 alleles (0.75%); highest among the groups gnomAD compares: Non-Finnish European, 0.89%; 49 homozygotes.

Submissions (12):

CeGaT Center for Human Genetics Tuebingen
Classification: Likely benign. Last evaluated: 2026-09-01. Review status: criteria provided, single submitter. Criteria: CeGaT Center For Human Genetics Tuebingen Variant Classification Criteria Version 2. Collection method: clinical testing. Allele origin: germline. Affected: yes. Observed: 33 variant alleles.
Comment: TRDN: BS2

Labcorp Genetics (formerly Invitae), Labcorp
Classification: Benign for Catecholaminergic polymorphic ventricular tachycardia 1. Last evaluated: 2026-02-03. Review status: criteria provided, single submitter. Criteria: Invitae Variant Classification Sherloc (09022015). Collection method: clinical testing. Allele origin: germline.

ARUP Laboratories, Molecular Genetics and Genomics, ARUP Laboratories
Classification: Likely benign for Catecholaminergic polymorphic ventricular tachycardia 5. Last evaluated: 2025-07-23. Review status: criteria provided, single submitter. Criteria: ARUP Molecular Germline Variant Investigation Process 2024. Collection method: clinical testing. Allele origin: germline.

Blueprint Genetics
Classification: Likely benign. Last evaluated: 2024-11-22. Review status: criteria provided, single submitter. Criteria: ACMG Guidelines, 2015. Collection method: clinical testing. Allele origin: germline.

Women's Health and Genetics/Laboratory Corporation of America, LabCorp
Classification: Benign. Last evaluated: 2023-12-03. Review status: criteria provided, single submitter. Criteria: LabCorp Variant Classification Summary - May 2015. Collection method: clinical testing. Allele origin: germline.

GeneDx
Classification: Benign. Last evaluated: 2019-06-13. Review status: criteria provided, single submitter. Criteria: GeneDx Variant Classification Process June 2021. Collection method: clinical testing. Allele origin: germline. Affected: yes.

Laboratory for Molecular Medicine, Mass General Brigham Personalized Medicine
Classification: Benign. Last evaluated: 2015-05-18. Review status: criteria provided, single submitter. Criteria: LMM Criteria. Collection method: clinical testing. Allele origin: germline. Observed: 14 variant alleles.
Comment: c.1538-13T>G in intron 25 of TRDN: This variant is not expected to have clinical significance because it has been identified in 1.6% (130/8168) of European chro mosomes including 1 homozygous individual by the Exome Aggregation Consortium(dbSNP rs55704802).

Breakthrough Genomics
Classification: Likely benign. Review status: criteria provided, single submitter. Criteria: ACMG Guidelines, 2015. Collection method: not provided. Allele origin: germline. Inheritance: Autosomal recessive inheritance. Affected: yes.

Clinical Genetics, Academic Medical Center
Classification: Benign. Review status: no assertion criteria provided. Collection method: clinical testing. Allele origin: germline. Affected: yes. Study: VKGL Data-share Consensus. Not counted in ClinVar's aggregate classification.

Dr. Peter K. Rogan Lab, Western University
No classification provided (evidence only). Condition: Uterine corpus endometrial carcinoma. Review status: no classification provided. Collection method: in vitro. Allele origin: not applicable. Functional consequence: retained intron. Not counted in ClinVar's aggregate classification.

Dr. Peter K. Rogan Lab, Western University
No classification provided (evidence only). Condition: Malignant tumor of esophagus. Review status: no classification provided. Collection method: in vitro. Allele origin: not applicable. Functional consequence: retained intron. Not counted in ClinVar's aggregate classification.

Joint Genome Diagnostic Labs from Nijmegen and Maastricht, Radboudumc and MUMC+
Classification: Likely benign. Review status: no assertion criteria provided. Collection method: clinical testing. Allele origin: germline. Affected: yes. Study: VKGL Data-share Consensus. Not counted in ClinVar's aggregate classification.

NM_006073.4(TRDN):c.1538-13T>G

Gene: TRDN (triadin; minus strand). Cytogenetic location: 6q22.31.
Variant type: single nucleotide variant.
Coding change: c.1538-13T>G on transcript NM_006073.4 (MANE Select); 13 bases into the intron before coding-DNA position 1538, T replaced by G.
Molecular consequence: intron variant.
Genome position (GRCh38, 1-based): chr6:123,278,360, A>C on the plus strand (T>G on the coding strand, the complement: TRDN is on the minus strand). VCF-style: chr6-123278360-A-C. GRCh37 (hg19) VCF-style: chr6-123599505-A-C.
Identifiers: ClinVar variation 227113 (VCV000227113.64), dbSNP rs55704802, ClinGen allele CA3983873.